The following is an entry in ClinVar:

NM_001353214.3(DYM):c.1653_1654del (p.His551fs)

Gene: DYM (dymeclin; minus strand). Cytogenetic location: 18q21.1.
Variant type: Microsatellite.
Coding change: c.1653_1654del on transcript NM_001353214.3 (MANE Select); coding-DNA positions 1653 to 1654, 2 bases deleted (CA; older notation c.1653_1654delCA).
Protein change: p.His551fs; shifts the reading frame from histidine 551.
Molecular consequence: frameshift variant.
Genome position (GRCh38, 1-based): chr18:49,163,759-49,163,760, TG deleted on the plus strand (CA on the coding strand, the reverse complement: DYM is on the minus strand); deleting any 2 consecutive bases within chr18:49,163,759-49,163,763 gives the same sequence; the c. name uses the placement nearest the transcript's 3' end. VCF-style (leftmost placement, unchanged base first): chr18-49163758-TTG-T. GRCh37 (hg19) VCF-style: chr18-46690128-TTG-T.
Other names: c.1485_1486del, p.His495fs (NM_001353210.3, NM_001353211.3, NM_001374435.1 and 1 more transcripts); c.1650_1651del, p.His550fs (NM_001353212.3, NM_001353213.3); c.1653_1654del, p.His551fs (NM_001353215.3, NM_001374428.1, NM_001374430.1 and 1 more transcripts); c.1488_1489del, p.His496fs (NM_001353216.3, NM_001374433.1, NM_001374434.1 and 1 more transcripts); c.1647_1648del, p.His549fs (NM_001374429.1); c.1527_1528del, p.His509fs (NM_001374432.1); c.1362_1363del, p.His454fs (NM_001374436.1); c.1305_1306del, p.His435fs (NM_001374437.1); and 5 more; short protein forms H305fs, H306fs, H361fs, H420fs, H435fs, H454fs, H494fs, H495fs.
Identifiers: ClinVar variation 1048089 (VCV001048089.1), dbSNP rs2087496511, ClinGen allele CA2302087115.

ClinVar aggregate classification (germline): Pathogenic (1 of 4 stars; one submission).

Conditions:
Dyggve-Melchior-Clausen syndrome (DMC). Also called: Dyggve-Melchior-Clausen disease; DMC syndrome. Identifiers: Orphanet 239, MedGen C0265286, MONDO:0009130, OMIM 223800.

Submission:

Centre for Human Genetics
Classification: Pathogenic for Dyggve-Melchior-Clausen syndrome. Last evaluated: 2020-10-01. Review status: criteria provided, single submitter. Criteria: ACMG Guidelines, 2015. Collection method: clinical testing. Allele origin: germline. Affected: yes and no. Observed: 4 variant alleles. Segregation with disease observed.
Comment: Homozygous in two affected siblings and the parents were heterozygous for the variant